The following is an entry in ClinVar:

ClinVar aggregate classification (germline): Likely benign (1 of 4 stars; one submission).

gnomAD v4.1: 69 of 1,613,966 alleles (0.0043%); highest among the groups gnomAD compares: Admixed American, 0.01%; no homozygotes.

Submission:

CeGaT Center for Human Genetics Tuebingen
Classification: Likely benign. Last evaluated: 2026-06-01. Review status: criteria provided, single submitter. Criteria: CeGaT Center For Human Genetics Tuebingen Variant Classification Criteria Version 2. Collection method: clinical testing. Allele origin: germline. Affected: yes. Observed: 1 variant allele.
Comment: KDM6B: BS2

NM_001348716.2(KDM6B):c.556C>T (p.Arg186Trp)

Gene: KDM6B (lysine demethylase 6B; plus strand). Cytogenetic location: 17p13.1.
Variant type: single nucleotide variant.
Coding change: c.556C>T on transcript NM_001348716.2 (MANE Select); coding-DNA position 556, C replaced by T.
Protein change: p.Arg186Trp; replaces arginine 186 with tryptophan.
Molecular consequence: missense variant.
Genome position (GRCh38, 1-based): chr17:7,846,585, C>T. VCF-style: chr17-7846585-C-T. GRCh37 (hg19) VCF-style: chr17-7749903-C-T.
Other names: c.556C>T, p.Arg186Trp (NM_001080424.2); short protein forms R186W.
Identifiers: ClinVar variation 4873641 (VCV004873641.2).
Genomic context (GRCh38, chr17:7,846,585, plus strand): 5'-AGCCAGGCTGTGCCTGCACCCGTGCCATTTTCTCTTCTCTCTTTTTGTTCTCAGCACAAA[C>T]GGAACTATGGAGCCAAGCGGGGAGGTCCCCCGGTGAAGCGAGCTGCTGAACCCCCAGTGG-3'
Protein context (NP_001335645.1, residues 176-196): VWNLLHLEHK[Arg186Trp]NYGAKRGGPP